The following is an entry in ClinVar:

NM_001378414.1(HDAC4):c.961C>T (p.Pro321Ser)

Gene: HDAC4 (histone deacetylase 4; minus strand). Cytogenetic location: 2q37.3.
Variant type: single nucleotide variant.
Coding change: c.961C>T on transcript NM_001378414.1 (MANE Select); coding-DNA position 961, C replaced by T.
Protein change: p.Pro321Ser; replaces proline 321 with serine.
Molecular consequence: missense variant.
Genome position (GRCh38, 1-based): chr2:239,139,701, G>A on the plus strand (C>T on the coding strand, the complement: HDAC4 is on the minus strand). VCF-style: chr2-239139701-G-A. GRCh37 (hg19) VCF-style: chr2-240061397-G-A.
Other names: c.961C>T, p.Pro321Ser (NM_001378415.1, NM_001378416.1, NM_001378417.1 and 1 more transcripts); short protein forms P321S.
Identifiers: ClinVar variation 2632763 (VCV002632763.1), dbSNP rs2041221466, ClinGen allele CA351270419.
Genomic context (GRCh38, chr2:239,139,701, plus strand): 5'-CCGACTCTAGCCGTAGGACACAGGACAAACGCTTCGCACTGACCTCCGCCGGGATGCTGG[G>A]GACGGCGGGCGCGATACCGTTCTCCGCGCTGACGCTCCCGGAGCTGTTGTTGGGTGAGCT-3'
Protein context (NP_001365343.1, residues 311-331): SAENGIAPAV[Pro321Ser]SIPAETSLAH

ClinVar aggregate classification (germline): Uncertain significance (1 of 4 stars; one submission).

Conditions:
HDAC4-related disorder. Also called: HDAC4-related condition.

Submission:

PreventionGenetics, part of Exact Sciences
Classification: Uncertain significance for HDAC4-related condition. Last evaluated: 2023-05-17. Review status: criteria provided, single submitter. Criteria: ACMG Guidelines, 2015. Collection method: clinical testing. Allele origin: germline.
Comment: The HDAC4 c.961C>T variant is predicted to result in the amino acid substitution p.Pro321Ser. To our knowledge, this variant has not been reported in the literature or in a large population database, indicating this variant is rare. At this time, the clinical significance of this variant is uncertain due to the absence of conclusive functional and genetic evidence.